The following is an entry in ClinVar:

ClinVar aggregate classification (germline): Conflicting classifications of pathogenicity. Review status: criteria provided, conflicting classifications (1 of 4 stars). 2 submissions from 2 submitters: Uncertain significance (1); Benign (1). Last evaluated 2018-01-13.

Conditions:
Maturity-onset diabetes of the young (MODY). Also called: Maturity onset diabetes mellitus in young. Identifiers: Orphanet 552, MedGen C0342276, MONDO:0018911, HP:0004904.
Maturity-onset diabetes of the young type 3. Also called: MODY type 3; MODY, type III. Identifiers: Orphanet 552, MedGen C1838100, MeSH C563933, MONDO:0010894, OMIM 600496. Disease mechanism: loss of function.

Allele frequency attached by ClinVar (database versions not stated): TOPMed 0.00012; gnomAD exomes 0.00022; gnomAD 0.00027 and 0.00028.
gnomAD v4.1: 106 of 440,462 alleles (0.024%); highest among the groups gnomAD compares: Non-Finnish European, 0.036%; no homozygotes.

Submissions (2):

Illumina Laboratory Services, Illumina
Classification: Uncertain significance for Maturity-onset diabetes of the young type 3. Last evaluated: 2018-01-13. Review status: criteria provided, single submitter. Criteria: ICSL Variant Classification Criteria 13 December 2019. Collection method: clinical testing. Allele origin: germline.

Clinical Genomics, Uppaluri K&H Personalized Medicine Clinic
Classification: Benign for Maturity-onset diabetes of the young. Review status: criteria provided, single submitter. Criteria: K & H Uppaluri Personalized Medicine Clinic Variant Classification & Assertion Criteria_Updated V.1. Collection method: research. Allele origin: unknown. Inheritance: Autosomal dominant inheritance.
Comment: Mutations in HNF1A gene can predispose to MODY3. It is associated with both micro and macrovascular complications of diabetes, especially cardiovascular complications. Associated with glucosuria. May respond well to sulfonylureas. However, more evidence is required to confer the association of this particular variant rs1039799815 with MODY3.

Literature cited by the submitters: PubMed 31517624 (cited by Clinical Genomics, Uppaluri K&H Personalized Medicine Clinic); PubMed 32395877 (cited by Clinical Genomics, Uppaluri K&H Personalized Medicine Clinic); PubMed 35328643 (cited by Clinical Genomics, Uppaluri K&H Personalized Medicine Clinic); PubMed 35673428 (cited by Clinical Genomics, Uppaluri K&H Personalized Medicine Clinic).

NM_000545.8(HNF1A):c.*1044G>A

Genes: C12orf43 (chromosome 12 open reading frame 43; minus strand), HNF1A (HNF1 homeobox A; plus strand). Cytogenetic location: 12q24.31.
Variant type: single nucleotide variant.
Coding change: c.*1044G>A on transcript NM_000545.8 (MANE Select); 1044 bases downstream of the stop codon, G replaced by A.
Molecular consequence: 3 prime UTR variant.
Genome position (GRCh38, 1-based): chr12:121,002,236, G>A. VCF-style: chr12-121002236-G-A. GRCh37 (hg19) VCF-style: chr12-121440039-G-A.
Other names: c.*1917C>T (NM_001286191.2, NM_001286196.2, NM_022895.3); c.*1044G>A (NM_001306179.2, NM_001406915.1).
Identifiers: ClinVar variation 882299 (VCV000882299.5), dbSNP rs1039799815, ClinGen allele CA244514572.